The following is an entry in ClinVar:

ClinVar aggregate classification (germline): Uncertain significance (1 of 4 stars; one submission).

Conditions:
Hereditary cancer-predisposing syndrome. Also called: Neoplastic Syndromes, Hereditary; Tumor predisposition; Hereditary neoplastic syndrome; Hereditary Cancer Syndrome. Identifiers: Orphanet 140162, MedGen C0027672, MeSH D009386, MONDO:0015356.

Submission:

Ambry Genetics
Classification: Uncertain significance for Hereditary cancer-predisposing syndrome. Last evaluated: 2023-11-03. Review status: criteria provided, single submitter. Criteria: Ambry Variant Classification Scheme 2023. Collection method: clinical testing. Allele origin: germline.
Comment: The p.H2554Q variant (also known as c.7662T>G), located in coding exon 15 of the APC gene, results from a T to G substitution at nucleotide position 7662. The histidine at codon 2554 is replaced by glutamine, an amino acid with highly similar properties. This amino acid position is conserved. In addition, in silico predictors for this gene do not accurately predict pathogenicity. Since supporting evidence is limited at this time, the clinical significance of this alteration remains unclear.

NM_000038.6(APC):c.7662T>G (p.His2554Gln)

Gene: APC (APC regulator of Wnt signaling pathway; plus strand). Cytogenetic location: 5q22.2.
Variant type: single nucleotide variant.
Coding change: c.7662T>G on transcript NM_000038.6 (MANE Select); coding-DNA position 7662, T replaced by G.
Protein change: p.His2554Gln; replaces histidine 2554 with glutamine.
Molecular consequence: missense variant. On other transcripts: non-coding transcript variant (2).
Genome position (GRCh38, 1-based): chr5:112,843,256, T>G. VCF-style: chr5-112843256-T-G. GRCh37 (hg19) VCF-style: chr5-112178953-T-G.
Other names: c.7662T>G, p.His2554Gln (NM_001127510.3, NM_001354895.2, NM_001407450.1); c.7608T>G, p.His2536Gln (NM_001127511.3); c.7716T>G, p.His2572Gln (NM_001354896.2, NM_001407447.1, NM_001407448.1 and 1 more transcripts); c.7692T>G, p.His2564Gln (NM_001354897.2); c.7587T>G, p.His2529Gln (NM_001354898.2); c.7578T>G, p.His2526Gln (NM_001354899.2); c.7539T>G, p.His2513Gln (NM_001354900.2); c.7485T>G, p.His2495Gln (NM_001354901.2, NM_001407453.1); and 11 more; short protein forms H2170Q, H2271Q, H2394Q, H2425Q, H2428Q, H2453Q, H2463Q, H2471Q.
Identifiers: ClinVar variation 3231405 (VCV003231405.1), dbSNP rs1175883969, ClinGen allele CA16037979.